The following is an entry in ClinVar:

NM_000128.4(F11):c.1287_1288insACTGAGGT (p.Ala430fs)

Gene: F11 (coagulation factor XI; plus strand). Cytogenetic location: 4q35.2.
Variant type: Insertion.
Coding change: c.1287_1288insACTGAGGT on transcript NM_000128.4 (MANE Select); coding-DNA positions 1287 to 1288, ACTGAGGT inserted.
Protein change: p.Ala430fs; shifts the reading frame from alanine 430.
Molecular consequence: frameshift variant.
Genome position: GRCh38 VCF-style: chr4-186284243-C-CACTGAGGT. GRCh37 (hg19) VCF-style: chr4-187205397-C-CACTGAGGT.
Other names: c.1239_1240insACTGAGGT, p.Ala414fs (NM_001440590.1, NM_001440596.1); c.1287_1288insACTGAGGT, p.Ala430fs (NM_001440593.1); c.1017_1018insACTGAGGT, p.Ala340fs (NM_001440605.1, NM_001440607.1); c.969_970insACTGAGGT, p.Ala324fs (NM_001440606.1, NM_001440608.1); short protein forms A324fs, A340fs, A414fs, A430fs.
Identifiers: ClinVar variation 5010485 (VCV005010485.1).
Genomic context (GRCh38, chr4:186,284,243, plus strand): 5'-ACCCACTCAGAGACACCTGTGTGGAGGCTCCATCATTGGAAACCAGTGGATATTAACAGC[C>CACTGAGGT]GCTCACTGTTTCTATGGGTCAGTACCACGGCTGTTTTTATTAGTTCATCTTCTTCACACA-3'

ClinVar aggregate classification (germline): Pathogenic (1 of 4 stars; one submission).

Conditions:
Hereditary factor XI deficiency disease. Also called: PLASMA THROMBOPLASTIN ANTECEDENT DEFICIENCY; PTA DEFICIENCY; ROSENTHAL SYNDROME; Congenital factor XI deficiency. Identifiers: Orphanet 329, MedGen C0015523, MeSH D005173, MONDO:0012897, OMIM 612416.

Submission:

Myriad Genetics, Inc.
Classification: Pathogenic for Hereditary factor XI deficiency disease. Last evaluated: 2024-05-14. Review status: criteria provided, single submitter. Criteria: Myriad Autosomal Dominant, Autosomal Recessive and X-Linked Classification Criteria (2023). Collection method: clinical testing. Allele origin: unknown.
Comment: NM_000128.3(F11):c.1287_1288ins8(A430Tfs*10) is expected to be pathogenic in the context of factor XI deficiency. This variant is predicted to lead to an abnormal or absent protein product due to the creation of a premature termination codon in F11, a gene where loss-of-function variants are known to be pathogenic. Please note: this variant was assessed in the context of healthy population screening.